The following is an entry in ClinVar:

ClinVar aggregate classification (germline): Pathogenic (1 of 4 stars; one submission).

Conditions:
MYO1E-related disorder. Also called: MYO1E-related condition.

gnomAD v4.1: 1 of 1,609,074 alleles (0.000062%); highest among the groups gnomAD compares: Admixed American, 0.0017%; no homozygotes.

Submission:

PreventionGenetics, part of Exact Sciences
Classification: Pathogenic for MYO1E-related condition. Last evaluated: 2025-01-04. Review status: criteria provided, single submitter. Criteria: ACMG Guidelines, 2015. Collection method: clinical testing. Allele origin: germline.
Comment: The MYO1E c.1186C>T variant is predicted to result in premature protein termination (p.Gln396*). To our knowledge, this variant has not been reported in the literature. This variant is reported in 0.0029% of alleles in individuals of Latino descent in gnomAD. Nonsense variants in MYO1E are expected to be pathogenic. This variant is interpreted as pathogenic.

NM_004998.4(MYO1E):c.1186C>T (p.Gln396Ter)

Gene: MYO1E (myosin IE; minus strand). Cytogenetic location: 15q22.2.
Variant type: single nucleotide variant.
Coding change: c.1186C>T on transcript NM_004998.4 (MANE Select); coding-DNA position 1186, C replaced by T.
Protein change: p.Gln396Ter; replaces glutamine 396 with a stop codon.
Molecular consequence: nonsense.
Genome position (GRCh38, 1-based): chr15:59,214,642, G>A on the plus strand (C>T on the coding strand, the complement: MYO1E is on the minus strand). VCF-style: chr15-59214642-G-A. GRCh37 (hg19) VCF-style: chr15-59506841-G-A.
Other names: short protein forms Q396*.
Identifiers: ClinVar variation 4997635 (VCV004997635.1).
Genomic context (GRCh38, chr15:59,214,642, plus strand): 5'-GCAGGCCAGATGAAATACGTCACCCTCCTCAACCCCTAGTTATTAAAACTGGCCTTACCT[G>A]GAATATTTCAAAGCCATAGATGTCTAGGACGCCAATGTTGTATTCTTCATGGTCTTTCTC-3'